The following is an entry in ClinVar:

ClinVar aggregate classification (germline): Uncertain significance. Review status: criteria provided, multiple submitters, no conflicts (2 of 4 stars). 4 submissions from 4 submitters: Uncertain significance (4). Last evaluated 2025-01-10.

Conditions:
Loeys-Dietz syndrome 4 (LDS4). Also called: ANEURYSM, AORTIC AND CEREBRAL, WITH ARTERIAL TORTUOSITY AND SKELETAL MANIFESTATIONS; TGFB2-Related Loeys-Dietz Syndrome. Identifiers: MedGen C3553762, MONDO:0013897, OMIM 614816.
Familial thoracic aortic aneurysm and aortic dissection (TAAD). Also called: Thoracic aortic aneurysms and dissections. Identifiers: Orphanet 91387, MedGen C4707243, MONDO:0019625.

Allele frequency attached by ClinVar (database versions not stated): gnomAD exomes below 0.00001; TOPMed below 0.00001; gnomAD 0.00001.
gnomAD v4.1: 2 of 1,608,012 alleles (0.00012%); highest among the groups gnomAD compares: Non-Finnish European, 0.00017%; no homozygotes.

Submissions (4):

Ambry Genetics
Classification: Uncertain significance for Familial thoracic aortic aneurysm and aortic dissection. Last evaluated: 2025-01-10. Review status: criteria provided, single submitter. Criteria: Ambry Variant Classification Scheme 2023. Collection method: clinical testing. Allele origin: germline.
Comment: The p.I324V variant (also known as c.970A>G), located in coding exon 6 of the TGFB2 gene, results from an A to G substitution at nucleotide position 970. The isoleucine at codon 324 is replaced by valine, an amino acid with highly similar properties. This amino acid position is conserved. In addition, the in silico prediction for this alteration is inconclusive. Based on the available evidence, the clinical significance of this variant remains unclear.

Labcorp Genetics (formerly Invitae), Labcorp
Classification: Uncertain significance for Loeys-Dietz syndrome 4. Last evaluated: 2023-11-05. Review status: criteria provided, single submitter. Criteria: Invitae Variant Classification Sherloc (09022015). Collection method: clinical testing. Allele origin: germline.
Comment: This sequence change replaces isoleucine, which is neutral and non-polar, with valine, which is neutral and non-polar, at codon 324 of the TGFB2 protein (p.Ile324Val). This variant is not present in population databases (gnomAD no frequency). This variant has not been reported in the literature in individuals affected with TGFB2-related conditions. ClinVar contains an entry for this variant (Variation ID: 618426). Advanced modeling of protein sequence and biophysical properties (such as structural, functional, and spatial information, amino acid conservation, physicochemical variation, residue mobility, and thermodynamic stability) performed at Invitae indicates that this missense variant is not expected to disrupt TGFB2 protein function with a negative predictive value of 80%. In summary, the available evidence is currently insufficient to determine the role of this variant in disease. Therefore, it has been classified as a Variant of Uncertain Significance.

Fulgent Genetics
Classification: Uncertain significance for Loeys-Dietz syndrome 4. Last evaluated: 2021-08-11. Review status: criteria provided, single submitter. Criteria: ACMG Guidelines, 2015. Collection method: clinical testing. Allele origin: unknown.

ARUP Laboratories, Molecular Genetics and Genomics, ARUP Laboratories
Classification: Uncertain significance. Last evaluated: 2017-08-10. Review status: criteria provided, single submitter. Criteria: ARUP Molecular Germline Variant Investigation Process. Collection method: clinical testing. Allele origin: germline.

NM_003238.6(TGFB2):c.970A>G (p.Ile324Val)

Gene: TGFB2 (transforming growth factor beta 2; plus strand). Cytogenetic location: 1q41.
Variant type: single nucleotide variant.
Coding change: c.970A>G on transcript NM_003238.6 (MANE Select); coding-DNA position 970, A replaced by G.
Protein change: p.Ile324Val; replaces isoleucine 324 with valine.
Molecular consequence: missense variant. On other transcripts: non-coding transcript variant (2).
Genome position (GRCh38, 1-based): chr1:218,437,380, A>G. VCF-style: chr1-218437380-A-G. GRCh37 (hg19) VCF-style: chr1-218610722-A-G.
Other names: c.1054A>G, p.Ile352Val (NM_001135599.4); short protein forms I324V, I352V.
Identifiers: ClinVar variation 618426 (VCV000618426.13), dbSNP rs866788278, ClinGen allele CA37622239.